The following is an entry in ClinVar:

ClinVar aggregate classification (germline): Likely pathogenic (1 of 4 stars; one submission).

Conditions:
Autosomal recessive limb-girdle muscular dystrophy type 2J (LGMDR10). Also called: MUSCULAR DYSTROPHY, LIMB-GIRDLE, AUTOSOMAL RECESSIVE 10; Limb-girdle muscular dystrophy, type 2J. Identifiers: Orphanet 140922, MedGen C1837342, MONDO:0012127, OMIM 608807.
Dilated cardiomyopathy 1G (CMD1G). Identifiers: Orphanet 154, MedGen C1858763, MONDO:0011400, OMIM 604145.

Submission:

Labcorp Genetics (formerly Invitae), Labcorp
Classification: Likely pathogenic for Dilated cardiomyopathy 1G; Autosomal recessive limb-girdle muscular dystrophy type 2J. Last evaluated: 2025-10-21. Review status: criteria provided, single submitter. Criteria: Invitae Variant Classification Sherloc (09022015). Collection method: clinical testing. Allele origin: germline.
Comment: This sequence change creates a premature translational stop signal (p.Thr4160Profs*8) in the TTN gene. While this is not anticipated to result in nonsense mediated decay, it is expected to create a truncated TTN protein. This variant is not present in population databases (gnomAD no frequency). This variant has not been observed in the literature in individuals with autosomal recessive TTN-related conditions. This variant has been reported in individual(s) with dilated cardiomyopathy and/or non-ischemic cardiomyopathy (PMID: 25163546; internal data); however, the role of the variant in this condition is currently unclear. This variant is also known as c.11965del, p.Thr3989Profs*8. ClinVar contains an entry for this variant (Variation ID: 1403910). This variant is located in the I band of TTN (PMID: 25589632). Truncating variants in this region have been reported in individuals affected with autosomal recessive centronuclear myopathy (PMID: 23975875, internal data). Truncating variants in this region have also been identified in individuals affected with autosomal dominant dilated cardiomyopathy and/or cardio-related conditions (PMID: 27869827, 32964742, internal data). In summary, the currently available evidence indicates that the variant is pathogenic, but additional data are needed to prove that conclusively. Therefore, this variant has been classified as Likely Pathogenic.

Literature cited by the submitters: PubMed 25163546; PubMed 25589632; PubMed 23975875; PubMed 27869827; PubMed 32964742.

NM_001267550.2(TTN):c.12478del (p.Thr4160fs)

Gene: TTN (titin; minus strand). Cytogenetic location: 2q31.2.
Variant type: Deletion.
Coding change: c.12478del on transcript NM_001267550.2 (MANE Select); coding-DNA position 12478, one base deleted (A; older notation c.12478delA).
Protein change: p.Thr4160fs; shifts the reading frame from threonine 4160.
Molecular consequence: frameshift variant. On other transcripts: intron variant (1).
Genome position (GRCh38, 1-based): chr2:178,740,755, T deleted on the plus strand (A on the coding strand, the reverse complement: TTN is on the minus strand); the first of 4 consecutive T bases (chr2:178,740,755-178,740,758); deleting any one gives the same sequence. VCF-style (leftmost placement, unchanged base first): chr2-178740754-GT-G. GRCh37 (hg19) VCF-style: chr2-179605481-GT-G.
Other names: c.11527del, p.Thr3843fs (NM_001256850.1); c.11389del, p.Thr3797fs (NM_003319.4); c.11764del, p.Thr3922fs (NM_133432.3); c.11965del, p.Thr3989fs (NM_133437.4); c.10361-2395del (NM_133378.4); short protein forms T3797fs, T4160fs, T3922fs, T3843fs, T3989fs.
Identifiers: ClinVar variation 1403910 (VCV001403910.8), dbSNP rs2154318358, ClinGen allele CA2573133077.